The following is an entry in ClinVar:

NC_000007.14:g.(?_21698055)_(21765609_?)del

Gene: DNAH11 (dynein axonemal heavy chain 11; plus strand). Cytogenetic location: 7p15.3.
Variant type: Deletion.
Identifiers: ClinVar variation 454503 (VCV000454503.15).

ClinVar aggregate classification (germline): Pathogenic (1 of 4 stars; one submission).

Conditions:
Primary ciliary dyskinesia. Also called: Ciliary dyskinesia. Identifiers: Orphanet 244, MedGen C0008780, MONDO:0016575, HP:0012265.

Submission:

Labcorp Genetics (formerly Invitae), Labcorp
Classification: Pathogenic for Primary ciliary dyskinesia. Last evaluated: 2021-06-08. Review status: criteria provided, single submitter. Criteria: Invitae Variant Classification Sherloc (09022015). Collection method: clinical testing. Allele origin: germline.
Comment: For these reasons, this variant has been classified as Pathogenic. This variant has not been reported in the literature in individuals with DNAH11-related conditions. This variant is a gross deletion of the genomic region encompassing exon(s) 36-55 of the DNAH11 gene. This deletion is out-of-frame, and is expected to create a premature translational stop signal and result in an absent or disrupted protein product. Loss-of-function variants in DNAH11 are known to be pathogenic (PMID: 18022865, 20513915, 22184204).

Literature cited by the submitters: PubMed 18022865; PubMed 20513915; PubMed 22184204.